The following is an entry in ClinVar:

NM_017739.4(POMGNT1):c.776_777del (p.Thr259fs)

Genes: TSPAN1 (tetraspanin 1; plus strand), POMGNT1 (protein O-linked mannose N-acetylglucosaminyltransferase 1 (beta 1,2-); minus strand). Cytogenetic location: 1p34.1.
Variant type: Microsatellite.
Coding change: c.776_777del on transcript NM_017739.4 (MANE Select); coding-DNA positions 776 to 777, 2 bases deleted (CA; older notation c.776_777delCA).
Protein change: p.Thr259fs; shifts the reading frame from threonine 259.
Molecular consequence: frameshift variant.
Genome position (GRCh38, 1-based): chr1:46,194,376-46,194,377, TG deleted on the plus strand (CA on the coding strand, the reverse complement: POMGNT1 is on the minus strand); deleting any 2 consecutive bases within chr1:46,194,376-46,194,380 gives the same sequence; the c. name uses the placement nearest the transcript's 3' end. VCF-style (leftmost placement, unchanged base first): chr1-46194375-CTG-C. GRCh37 (hg19) VCF-style: chr1-46660047-CTG-C.
Other names: c.776_777del (NM_017739.3); c.776_777del, p.Thr259fs (NM_001243766.2, NM_001410783.1); c.707_708AC[1], p.Thr237Argfs (NM_001290129.3); c.347_348del, p.Thr116fs (NM_001290130.2); short protein forms T116fs, T237fs, T259fs.
Identifiers: ClinVar variation 3240180 (VCV003240180.2), dbSNP rs2525424712.

ClinVar aggregate classification (germline): Likely pathogenic. Review status: criteria provided, multiple submitters, no conflicts (2 of 4 stars). 2 submissions from 2 submitters: Likely pathogenic (2). Last evaluated 2025-05-02.

Conditions:
Muscular dystrophy-dystroglycanopathy (congenital with brain and eye anomalies), type A3. Also called: WALKER-WARBURG SYNDROME OR MUSCLE-EYE-BRAIN DISEASE, POMGNT1-RELATED; Muscular dystrophy-dystroglycanopathy (congenital with brain and eye anomalies), type A, 3; Congenital muscular dystrophy-dystroglycanopathy with brain and eye anomalies, type A3. Identifiers: MedGen C3151519, MONDO:0009667, OMIM 253280.
Muscle eye brain disease (MEB). Also called: Santavuori congenital muscular dystrophy. Identifiers: Orphanet 588, Orphanet 899, MedGen C0457133, MONDO:0018939.

Submissions (2):

Natera, Inc.
Classification: Likely pathogenic for Muscle-eye-brain disease. Last evaluated: 2025-05-02. Review status: criteria provided, single submitter. Criteria: Natera Variant Classification Schema (03/2026). Collection method: clinical testing. Allele origin: germline.
Comment: The c.776_777del variant in POMGNT1 is a frameshift variant predicted to shift the reading frame beginning at codon 259 and leads to a stop codon 14 codons downstream. This variant is expected to result in nonsense mediated decay, truncation, or a dysfunctional protein product. This variant is rare in the general population with a frequency below the threshold expected for the associated phenotype(s). Given the available evidence, this variant is classified as Likely Pathogenic.

Baylor Genetics
Classification: Likely pathogenic for Muscular dystrophy-dystroglycanopathy (congenital with brain and eye anomalies), type A3. Last evaluated: 2024-03-25. Review status: criteria provided, single submitter. Criteria: ACMG Guidelines, 2015. Collection method: clinical testing. Allele origin: unknown.